The following is an entry in ClinVar:

ClinVar aggregate classification (germline): other (0 of 4 stars; one submission).

Conditions:
Familial colorectal cancer. Identifiers: MedGen CN280943, MONDO:0023113. Disease mechanism: loss of function.

Submission:

Systems Biology Platform Zhejiang California International NanoSystems Institute
Classification: other for Familial colorectal cancer. Review status: no assertion criteria provided. Collection method: not provided. Allele origin: unknown.
ClinVar note: Converted during submission from cancer to other.

NM_000038.6(APC):c.*135T>G

Gene: APC (APC regulator of WNT signaling pathway; plus strand). Cytogenetic location: 5q22.2.
Variant type: single nucleotide variant.
Coding change: c.*135T>G on transcript NM_000038.6 (MANE Select); 135 bases downstream of the stop codon, T replaced by G.
Molecular consequence: 3 prime UTR variant.
Genome position (GRCh38, 1-based): chr5:112,844,261, T>G. VCF-style: chr5-112844261-T-G. GRCh37 (hg19) VCF-style: chr5-112179958-T-G.
Other names: c.*135T>G (NM_001127510.3, NM_001127511.3, NM_001354895.2 and 11 more transcripts).
Identifiers: ClinVar variation 83254 (VCV000083254.2), dbSNP rs79414727, ClinGen allele CA004456.